The following is an entry in ClinVar:

ClinVar aggregate classification (germline): Uncertain significance (1 of 4 stars; one submission).

Conditions:
Cohen syndrome (COH1). Also called: Cutis verticis gyrata, retinitis pigmentosa, and sensorineural deafness; PEPPER SYNDROME. Identifiers: Orphanet 193, MedGen C0265223, MONDO:0008999, OMIM 216550.

Submission:

Labcorp Genetics (formerly Invitae), Labcorp
Classification: Uncertain significance for Cohen syndrome. Last evaluated: 2024-11-05. Review status: criteria provided, single submitter. Criteria: Invitae Variant Classification Sherloc (09022015). Collection method: clinical testing. Allele origin: germline.
Comment: This sequence change replaces threonine, which is neutral and polar, with isoleucine, which is neutral and non-polar, at codon 241 of the VPS13B protein (p.Thr241Ile). This variant is not present in population databases (gnomAD no frequency). This variant has not been reported in the literature in individuals affected with VPS13B-related conditions. ClinVar contains an entry for this variant (Variation ID: 1995574). Invitae Evidence Modeling of protein sequence and biophysical properties (such as structural, functional, and spatial information, amino acid conservation, physicochemical variation, residue mobility, and thermodynamic stability) indicates that this missense variant is expected to disrupt VPS13B protein function with a positive predictive value of 80%. In summary, the available evidence is currently insufficient to determine the role of this variant in disease. Therefore, it has been classified as a Variant of Uncertain Significance.

NM_152564.5(VPS13B):c.722C>T (p.Thr241Ile)

Gene: VPS13B (vacuolar protein sorting 13 homolog B; plus strand). Cytogenetic location: 8q22.2.
Variant type: single nucleotide variant.
Coding change: c.722C>T on transcript NM_152564.5 (MANE Select); coding-DNA position 722, C replaced by T.
Protein change: p.Thr241Ile; replaces threonine 241 with isoleucine.
Molecular consequence: missense variant. On other transcripts: non-coding transcript variant (1).
Genome position (GRCh38, 1-based): chr8:99,111,239, C>T. VCF-style: chr8-99111239-C-T. GRCh37 (hg19) VCF-style: chr8-100123467-C-T.
Other names: c.722C>T, p.Thr241Ile (NM_015243.3, NM_017890.5, NM_181661.3); short protein forms T241I.
Identifiers: ClinVar variation 1995574 (VCV001995574.4), dbSNP rs1847347620, ClinGen allele CA371860240.